The following is an entry in ClinVar:

ClinVar aggregate classification (germline): Likely benign. Review status: criteria provided, multiple submitters, no conflicts (2 of 4 stars). 3 submissions from 3 submitters: Likely benign (3). Last evaluated 2025-12-04.

Allele frequency attached by ClinVar (database versions not stated): gnomAD 0.00006; gnomAD exomes 0.00007 and 0.00025; TOPMed 0.00015; ExAC 0.00017.
gnomAD v4.1: 110 of 1,614,024 alleles (0.0068%); highest among the groups gnomAD compares: Admixed American, 0.11%; no homozygotes.

Submissions (3):

Labcorp Genetics (formerly Invitae), Labcorp
Classification: Likely benign. Last evaluated: 2025-12-04. Review status: criteria provided, single submitter. Criteria: Invitae Variant Classification Sherloc (09022015). Collection method: clinical testing. Allele origin: germline.

CeGaT Center for Human Genetics Tuebingen
Classification: Likely benign. Last evaluated: 2025-07-01. Review status: criteria provided, single submitter. Criteria: CeGaT Center For Human Genetics Tuebingen Variant Classification Criteria Version 2. Collection method: clinical testing. Allele origin: germline. Affected: yes. Observed: 1 variant allele.
Comment: DNAH9: BP4, BP7

Blueprint Genetics
Classification: Likely benign. Last evaluated: 2024-02-16. Review status: criteria provided, single submitter. Criteria: ACMG Guidelines, 2015. Collection method: clinical testing. Allele origin: germline.

NM_001372.4(DNAH9):c.9390G>A (p.Gln3130=)

Gene: DNAH9 (dynein axonemal heavy chain 9; plus strand). Cytogenetic location: 17p12.
Variant type: single nucleotide variant.
Coding change: c.9390G>A on transcript NM_001372.4 (MANE Select); coding-DNA position 9390, G replaced by A.
Protein change: p.Gln3130=; no amino-acid change (glutamine 3130 retained).
Molecular consequence: synonymous variant.
Genome position (GRCh38, 1-based): chr17:11,834,781, G>A. VCF-style: chr17-11834781-G-A. GRCh37 (hg19) VCF-style: chr17-11738098-G-A.
Identifiers: ClinVar variation 1587515 (VCV001587515.17), dbSNP rs766336669, ClinGen allele CA8397213.